The following is an entry in ClinVar:

ClinVar aggregate classification (germline): Uncertain significance (1 of 4 stars; one submission).

gnomAD v4.1: 43 of 1,612,986 alleles (0.0027%); highest among the groups gnomAD compares: Non-Finnish European, 0.0034%; no homozygotes.

Submission:

CeGaT Center for Human Genetics Tuebingen
Classification: Uncertain significance. Last evaluated: 2024-07-01. Review status: criteria provided, single submitter. Criteria: CeGaT Center For Human Genetics Tuebingen Variant Classification Criteria Version 2. Collection method: clinical testing. Allele origin: germline. Affected: yes. Observed: 1 variant allele.
Comment: CERT1: PS2:Supporting

NM_001379029.1(CERT1):c.383G>A (p.Arg128His)

Gene: CERT1 (ceramide transporter 1; minus strand). Cytogenetic location: 5q13.3.
Variant type: single nucleotide variant.
Coding change: c.383G>A on transcript NM_001379029.1 (MANE Select); coding-DNA position 383, G replaced by A.
Protein change: p.Arg128His; replaces arginine 128 with histidine.
Molecular consequence: missense variant.
Genome position (GRCh38, 1-based): chr5:75,426,444, C>T on the plus strand (G>A on the coding strand, the complement: CERT1 is on the minus strand). VCF-style: chr5-75426444-C-T. GRCh37 (hg19) VCF-style: chr5-74722269-C-T.
Other names: c.767G>A, p.Arg256His (NM_001130105.1); c.383G>A, p.Arg128His (NM_001379002.1, NM_001379003.1, NM_001379004.1 and 2 more transcripts); short protein forms R128H, R256H.
Identifiers: ClinVar variation 3257256 (VCV003257256.17).